The following is an entry in ClinVar:

ClinVar aggregate classification (germline): Likely pathogenic (1 of 4 stars; one submission).

Conditions:
Hereditary breast ovarian cancer syndrome. Also called: Hereditary breast and ovarian cancer syndrome (HBOC); Breast and ovarian cancer; Hereditary breast and/or ovarian cancer syndrome; Hereditary breast and ovarian cancer; BRCA1- and BRCA2-Associated Hereditary Breast and Ovarian Cancer; Hereditary breast and ovarian cancer syndrome. Identifiers: Orphanet 145, MedGen C0677776, MeSH D061325, MONDO:0003582. Disease mechanism: loss of function.

Submission:

Women's Health and Genetics/Laboratory Corporation of America, LabCorp
Classification: Likely pathogenic for Hereditary breast ovarian cancer syndrome. Last evaluated: 2023-01-06. Review status: criteria provided, single submitter. Criteria: LabCorp Variant Classification Summary - May 2015. Collection method: clinical testing. Allele origin: germline.
Comment: Variant summary: BRCA2 c.7171G>T (p.Glu2391X) results in a premature termination codon, predicted to cause a truncation of the encoded protein or absence of the protein due to nonsense mediated decay, which are commonly known mechanisms for disease. Truncations downstream of this position have been classified as pathogenic by our laboratory. The variant was absent in 251258 control chromosomes (gnomAD). To our knowledge, no occurrence of c.7171G>T in individuals affected with Hereditary Breast And Ovarian Cancer Syndrome and no experimental evidence demonstrating its impact on protein function have been reported. No clinical diagnostic laboratories have submitted clinical-significance assessments for this variant to ClinVar after 2014. Based on the evidence outlined above, the variant was classified as likely pathogenic.

NM_000059.4(BRCA2):c.7171G>T (p.Glu2391Ter)

Gene: BRCA2 (BRCA2 DNA repair associated; plus strand). Cytogenetic location: 13q13.1.
Variant type: single nucleotide variant.
Coding change: c.7171G>T on transcript NM_000059.4 (MANE Select); coding-DNA position 7171, G replaced by T.
Protein change: p.Glu2391Ter; replaces glutamic acid 2391 with a stop codon.
Molecular consequence: nonsense.
Genome position (GRCh38, 1-based): chr13:32,355,024, G>T. VCF-style: chr13-32355024-G-T. GRCh37 (hg19) VCF-style: chr13-32929161-G-T.
Other names: c.7075G>T, p.Glu2359Ter (NM_001406719.1); c.7171G>T, p.Glu2391Ter (NM_001406720.1); c.2239G>T, p.Glu747Ter (NM_001406721.1); c.754G>T, p.Glu252Ter (NM_001406722.1); short protein forms E2359*, E2391*, E252*, E747*.
Identifiers: ClinVar variation 2429251 (VCV002429251.5), dbSNP rs2137556567, ClinGen allele CA387739504.